The following is an entry in ClinVar:

NM_015693.4(INTU):c.2192A>G (p.His731Arg)

Gene: INTU (inturned planar cell polarity protein; plus strand). Cytogenetic location: 4q28.1.
Variant type: single nucleotide variant.
Coding change: c.2192A>G on transcript NM_015693.4 (MANE Select); coding-DNA position 2192, A replaced by G.
Protein change: p.His731Arg; replaces histidine 731 with arginine.
Molecular consequence: missense variant.
Genome position (GRCh38, 1-based): chr4:127,706,890, A>G. VCF-style: chr4-127706890-A-G. GRCh37 (hg19) VCF-style: chr4-128628045-A-G.
Other names: short protein forms H731R.
Identifiers: ClinVar variation 2054867 (VCV002054867.5), dbSNP rs148361282, ClinGen allele CA3075264.

ClinVar aggregate classification (germline): Uncertain significance. Review status: criteria provided, multiple submitters, no conflicts (2 of 4 stars). 2 submissions from 2 submitters: Uncertain significance (2). Last evaluated 2025-12-17.

Conditions:
Inborn genetic diseases. Identifiers: MedGen C0950123, MeSH D030342.

Allele frequency attached by ClinVar (database versions not stated): ESP Exome Variant Server 0.00031; gnomAD exomes 0.00014; gnomAD 0.00017; ExAC 0.00023.
gnomAD v4.1: 235 of 1,613,870 alleles (0.015%); highest among the groups gnomAD compares: Middle Eastern, 0.099%; 2 homozygotes.

Submissions (2):

Labcorp Genetics (formerly Invitae), Labcorp
Classification: Uncertain significance. Last evaluated: 2025-12-17. Review status: criteria provided, single submitter. Criteria: Invitae Variant Classification Sherloc (09022015). Collection method: clinical testing. Allele origin: germline.
Comment: This sequence change replaces histidine, which is basic and polar, with arginine, which is basic and polar, at codon 731 of the INTU protein (p.His731Arg). This variant is present in population databases (rs148361282, gnomAD 0.09%), and has an allele count higher than expected for a pathogenic variant. This variant has not been reported in the literature in individuals affected with INTU-related conditions. ClinVar contains an entry for this variant (Variation ID: 2054867). Invitae Evidence Modeling of protein sequence and biophysical properties (such as structural, functional, and spatial information, amino acid conservation, physicochemical variation, residue mobility, and thermodynamic stability) indicates that this missense variant is not expected to disrupt INTU protein function with a negative predictive value of 80%. In summary, the available evidence is currently insufficient to determine the role of this variant in disease. Therefore, it has been classified as a Variant of Uncertain Significance.

Ambry Genetics
Classification: Uncertain significance for Inborn genetic diseases. Last evaluated: 2021-08-12. Review status: criteria provided, single submitter. Criteria: Ambry Variant Classification Scheme 2023. Collection method: clinical testing. Allele origin: germline.